The following is an entry in ClinVar:

NM_000059.4(BRCA2):c.8956A>G (p.Ile2986Val)

Gene: BRCA2 (BRCA2 DNA repair associated; plus strand). Cytogenetic location: 13q13.1.
Variant type: single nucleotide variant.
Coding change: c.8956A>G on transcript NM_000059.4 (MANE Select); coding-DNA position 8956, A replaced by G.
Protein change: p.Ile2986Val; replaces isoleucine 2986 with valine.
Molecular consequence: missense variant.
Genome position (GRCh38, 1-based): chr13:32,379,752, A>G. VCF-style: chr13-32379752-A-G. GRCh37 (hg19) VCF-style: chr13-32953889-A-G.
Other names: short protein forms I2986V.
Identifiers: ClinVar variation 652849 (VCV000652849.9), dbSNP rs758549281, ClinGen allele CA6941323.

ClinVar aggregate classification (germline): Uncertain significance (1 of 4 stars; one submission).

Conditions:
Hereditary breast ovarian cancer syndrome. Also called: Breast and ovarian cancer; BRCA1- and BRCA2-Associated Hereditary Breast and Ovarian Cancer; Hereditary breast and ovarian cancer; Hereditary breast and/or ovarian cancer syndrome; Hereditary breast and ovarian cancer syndrome; Hereditary breast and ovarian cancer syndrome (HBOC). Identifiers: Orphanet 145, MedGen C0677776, MeSH D061325, MONDO:0003582. Disease mechanism: loss of function.

Allele frequency attached by ClinVar (database versions not stated): gnomAD exomes below 0.00001; ExAC 0.00001.
gnomAD v4.1: 1 of 1,610,322 alleles (0.000062%); highest among the groups gnomAD compares: Non-Finnish European, 0.000085%; no homozygotes.

Submission:

Labcorp Genetics (formerly Invitae), Labcorp
Classification: Uncertain significance for Hereditary breast ovarian cancer syndrome. Last evaluated: 2020-03-29. Review status: criteria provided, single submitter. Criteria: Invitae Variant Classification Sherloc (09022015). Collection method: clinical testing. Allele origin: germline.
Comment: Algorithms developed to predict the effect of missense changes on protein structure and function output the following: SIFT: "Tolerated"; PolyPhen-2: "Benign"; Align-GVGD: "Class C0". The valine amino acid residue is found in multiple mammalian species, suggesting that this missense change does not adversely affect protein function. These predictions have not been confirmed by published functional studies and their clinical significance is uncertain. This sequence change replaces isoleucine with valine at codon 2986 of the BRCA2 protein (p.Ile2986Val). The isoleucine residue is moderately conserved and there is a small physicochemical difference between isoleucine and valine. This variant is present in population databases (rs758549281, ExAC 0.002%). This variant has not been reported in the literature in individuals with BRCA2-related conditions. ClinVar contains an entry for this variant (Variation ID: 652849). In summary, the available evidence is currently insufficient to determine the role of this variant in disease. Therefore, it has been classified as a Variant of Uncertain Significance.